The following is an entry in ClinVar:

ClinVar aggregate classification (germline): Uncertain significance. Review status: criteria provided, multiple submitters, no conflicts (2 of 4 stars). 2 submissions from 2 submitters: Uncertain significance (2). Last evaluated 2025-08-21.

Conditions:
Inborn genetic diseases. Identifiers: MedGen C0950123, MeSH D030342.

gnomAD v4.1: 2 of 1,613,864 alleles (0.00012%); highest among the groups gnomAD compares: Admixed American, 0.0033%; no homozygotes.

Submissions (2):

Ambry Genetics
Classification: Uncertain significance for Inborn genetic diseases. Last evaluated: 2025-08-21. Review status: criteria provided, single submitter. Criteria: Ambry Variant Classification Scheme 2023. Collection method: clinical testing. Allele origin: germline.

Labcorp Genetics (formerly Invitae), Labcorp
Classification: Uncertain significance. Last evaluated: 2022-08-15. Review status: criteria provided, single submitter. Criteria: Invitae Variant Classification Sherloc (09022015). Collection method: clinical testing. Allele origin: germline.
Comment: This sequence change replaces valine, which is neutral and non-polar, with phenylalanine, which is neutral and non-polar, at codon 2853 of the FRAS1 protein (p.Val2853Phe). This variant is present in population databases (no rsID available, gnomAD 0.006%). This variant has not been reported in the literature in individuals affected with FRAS1-related conditions. Algorithms developed to predict the effect of missense changes on protein structure and function are either unavailable or do not agree on the potential impact of this missense change (SIFT: "Deleterious"; PolyPhen-2: "Possibly Damaging"; Align-GVGD: "Class C0"). In summary, the available evidence is currently insufficient to determine the role of this variant in disease. Therefore, it has been classified as a Variant of Uncertain Significance.

NM_025074.7(FRAS1):c.8557G>T (p.Val2853Phe)

Genes: FRAS1 (Fraser extracellular matrix complex subunit 1; plus strand), LOC126807088 (CDK7 strongly-dependent group 2 enhancer GRCh37_chr4:79402250-79403449; plus strand). Cytogenetic location: 4q21.21.
Variant type: single nucleotide variant.
Coding change: c.8557G>T on transcript NM_025074.7 (MANE Select); coding-DNA position 8557, G replaced by T.
Protein change: p.Val2853Phe; replaces valine 2853 with phenylalanine.
Molecular consequence: missense variant.
Genome position (GRCh38, 1-based): chr4:78,481,917, G>T. VCF-style: chr4-78481917-G-T. GRCh37 (hg19) VCF-style: chr4-79403071-G-T.
Other names: c.8557G>T (NM_025074.6); short protein forms V2853F.
Identifiers: ClinVar variation 1983030 (VCV001983030.2), dbSNP rs766342138, ClinGen allele CA99955675.